The following is an entry in ClinVar:

ClinVar aggregate classification (germline): Likely benign. Review status: criteria provided, multiple submitters, no conflicts (2 of 4 stars). 3 submissions from 3 submitters: Likely benign (3). Last evaluated 2025-11-09.

Conditions:
Familial thoracic aortic aneurysm and aortic dissection (TAAD). Also called: Thoracic aortic aneurysms and dissections. Identifiers: Orphanet 91387, MedGen C4707243, MONDO:0019625.
Ehlers-Danlos syndrome, type 4 (EDSVASC). Also called: Ehlers-Danlos Syndrome Type IV; Ehlers-Danlos syndrome vascular type; Ehlers Danlos syndrome, ecchymotic type; Ehlers Danlos syndrome, arterial type; Ehlers Danlos syndrome, Sack-Barabas type. Identifiers: Orphanet 286, MedGen C0268338, MONDO:0017314, OMIM 130050.

Submissions (3):

Labcorp Genetics (formerly Invitae), Labcorp
Classification: Likely benign for Ehlers-Danlos syndrome, type 4. Last evaluated: 2025-11-09. Review status: criteria provided, single submitter. Criteria: Invitae Variant Classification Sherloc (09022015). Collection method: clinical testing. Allele origin: germline.

All of Us Research Program, National Institutes of Health
Classification: Likely benign for Ehlers-Danlos syndrome, type 4. Last evaluated: 2024-08-05. Review status: criteria provided, single submitter. Criteria: ACMG Guidelines, 2015. Collection method: clinical testing. Allele origin: germline. Inheritance: Autosomal dominant inheritance. Observed: 2 variant alleles, 2 heterozygotes.
Comment: This study involves interpretation of variants in research participants for the purpose of population health screening. Participant phenotype was not available at the time of variant classification. Additional details can be found in publication PMID: 35346344, PMCID: PMC8962531

Color Diagnostics, LLC DBA Color Health
Classification: Likely benign for Familial thoracic aortic aneurysm and aortic dissection. Last evaluated: 2018-11-14. Review status: criteria provided, single submitter. Criteria: ACMG Guidelines, 2015. Collection method: clinical testing. Allele origin: germline.

NM_000090.4(COL3A1):c.474T>C (p.Tyr158=)

Gene: COL3A1 (collagen type III alpha 1 chain; plus strand). Cytogenetic location: 2q32.2.
Variant type: single nucleotide variant.
Coding change: c.474T>C on transcript NM_000090.4 (MANE Select); coding-DNA position 474, T replaced by C.
Protein change: p.Tyr158=; no amino-acid change (tyrosine 158 retained).
Molecular consequence: synonymous variant.
Genome position (GRCh38, 1-based): chr2:188,987,085, T>C. VCF-style: chr2-188987085-T-C. GRCh37 (hg19) VCF-style: chr2-189851811-T-C.
Identifiers: ClinVar variation 919636 (VCV000919636.5), dbSNP rs1688078938, ClinGen allele CA430308851.